The following is an entry in ClinVar:

ClinVar aggregate classification (germline): Pathogenic (1 of 4 stars; one submission).

Conditions:
Neuronal ceroid lipofuscinosis. Also called: Neuronal Ceroid Lipofuscinoses. Identifiers: Orphanet 216, Orphanet 79263, MedGen C0027877, MONDO:0016295. Disease mechanism: loss of function.

Submission:

Labcorp Genetics (formerly Invitae), Labcorp
Classification: Pathogenic for Neuronal ceroid lipofuscinosis. Last evaluated: 2020-02-12. Review status: criteria provided, single submitter. Criteria: Invitae Variant Classification Sherloc (09022015). Collection method: clinical testing. Allele origin: germline.
Comment: This variant is an out-of-frame deletion of the genomic region encompassing exon(s) 11-14 of the CLN3 gene. This is expected to create a premature translational stop signal and result in an absent or disrupted protein product. This variant has not been reported in the literature in individuals with CLN3-related conditions. Loss-of-function variants in CLN3 are known to be pathogenic (PMID: 9311735, 28542676). For these reasons, this variant has been classified as Pathogenic.

Literature cited by the submitters: PubMed 9311735; PubMed 28542676.

NC_000016.9:g.(?_28493426)_(28493993_?)del

Gene: CLN3 (CLN3 lysosomal/endosomal transmembrane protein, battenin; minus strand). Cytogenetic location: 16p11.2.
Variant type: Deletion.
Identifiers: ClinVar variation 1073958 (VCV001073958.1).